The following is an entry in ClinVar:

ClinVar aggregate classification (germline): Likely pathogenic (0 of 4 stars; one submission).

Conditions:
PMS2-related disorder. Also called: PMS2-related condition.

Submission:

PreventionGenetics, part of Exact Sciences
Classification: Likely pathogenic for PMS2-related condition. Last evaluated: 2024-06-19. Review status: no assertion criteria provided. Collection method: clinical testing. Allele origin: germline.
Comment: The PMS2 c.1438G>T variant is predicted to result in premature protein termination (p.Gly480*). To our knowledge, this variant has not been reported in the literature or in a large population database, indicating this variant is rare. Nonsense variants in PMS2 are expected to be pathogenic. This variant is interpreted as likely pathogenic.

NM_000535.7(PMS2):c.1438G>T (p.Gly480Ter)

Gene: PMS2 (PMS1 homolog 2, mismatch repair system component; minus strand). Cytogenetic location: 7p22.1.
Variant type: single nucleotide variant.
Coding change: c.1438G>T on transcript NM_000535.7 (MANE Select); coding-DNA position 1438, G replaced by T.
Protein change: p.Gly480Ter; replaces glycine 480 with a stop codon.
Molecular consequence: nonsense. On other transcripts: non-coding transcript variant (1), intron variant (1).
Genome position (GRCh38, 1-based): chr7:5,987,327, C>A on the plus strand (G>T on the coding strand, the complement: PMS2 is on the minus strand). VCF-style: chr7-5987327-C-A. GRCh37 (hg19) VCF-style: chr7-6026958-C-A.
Other names: c.1033G>T, p.Gly345Ter (NM_001322003.2, NM_001322004.2, NM_001322005.2 and 16 more transcripts); c.1282G>T, p.Gly428Ter (NM_001322006.2, NM_001406870.1); c.1120G>T, p.Gly374Ter (NM_001322007.2, NM_001322008.2, NM_001406876.1 and 2 more transcripts); c.877G>T, p.Gly293Ter (NM_001322010.2, NM_001406906.1, NM_001406907.1); c.505G>T, p.Gly169Ter (NM_001322011.2, NM_001322012.2); c.865G>T, p.Gly289Ter (NM_001322013.2, NM_001406909.1); c.1438G>T, p.Gly480Ter (NM_001322014.2, NM_001406871.1, NM_001406872.1); c.1129G>T, p.Gly377Ter (NM_001322015.2, NM_001406875.1, NM_001406877.1 and 5 more transcripts); and 13 more; short protein forms G169*, G223*, G289*, G293*, G309*, G322*, G325*, G345*.
Identifiers: ClinVar variation 3347499 (VCV003347499.1).